The following is an entry in ClinVar:

NM_001278298.2(COL6A5):c.1696C>T (p.Leu566=)

Gene: COL6A5 (collagen type VI alpha 5 chain; plus strand). Cytogenetic location: 3q22.1.
Variant type: single nucleotide variant.
Coding change: c.1696C>T on transcript NM_001278298.2 (MANE Select); coding-DNA position 1696, C replaced by T.
Protein change: p.Leu566=; no amino-acid change (leucine 566 retained).
Molecular consequence: synonymous variant. On other transcripts: non-coding transcript variant (1).
Genome position (GRCh38, 1-based): chr3:130,385,199, C>T. VCF-style: chr3-130385199-C-T. GRCh37 (hg19) VCF-style: chr3-130104042-C-T.
Other names: c.1696C>T, p.Leu566= (NM_001412157.1, NM_153264.7).
Identifiers: ClinVar variation 3035192 (VCV003035192.2), dbSNP rs187763987, ClinGen allele CA2610838.

ClinVar aggregate classification (germline): Likely benign (0 of 4 stars; one submission).

Conditions:
COL6A5-related disorder. Also called: COL6A5-related condition.

Allele frequency attached by ClinVar (database versions not stated): ExAC 0.00010; 1000 Genomes Project 0.00020; gnomAD 0.00024; 1000 Genomes Project 30x 0.00031; TOPMed 0.00032; gnomAD exomes 0.00050.
gnomAD v4.1: 733 of 1,550,954 alleles (0.047%); highest among the groups gnomAD compares: Non-Finnish European, 0.059%; 1 homozygote.

Submission:

PreventionGenetics, part of Exact Sciences
Classification: Likely benign for COL6A5-related condition. Last evaluated: 2023-04-04. Review status: no assertion criteria provided. Collection method: clinical testing. Allele origin: germline.
Comment: This variant is classified as likely benign based on ACMG/AMP sequence variant interpretation guidelines (Richards et al. 2015 PMID: 25741868, with internal and published modifications).